The following is an entry in ClinVar:

NM_001040108.2(MLH3):c.3205G>T (p.Ala1069Ser)

Gene: MLH3 (mutL homolog 3; minus strand). Cytogenetic location: 14q24.3.
Variant type: single nucleotide variant.
Coding change: c.3205G>T on transcript NM_001040108.2 (MANE Select); coding-DNA position 3205, G replaced by T.
Protein change: p.Ala1069Ser; replaces alanine 1069 with serine.
Molecular consequence: missense variant.
Genome position (GRCh38, 1-based): chr14:75,046,451, C>A on the plus strand (G>T on the coding strand, the complement: MLH3 is on the minus strand). VCF-style: chr14-75046451-C-A. GRCh37 (hg19) VCF-style: chr14-75513154-C-A.
Other names: c.3205G>T, p.Ala1069Ser (NM_014381.3); short protein forms A1069S.
Identifiers: ClinVar variation 1728861 (VCV001728861.2), dbSNP rs2139545393, ClinGen allele CA390435031.
Genomic context (GRCh38, chr14:75,046,451, plus strand): 5'-CATCCACAGCCACAGTTGTCAGGTCTTTAGTACAAGCAGCCTGAATGTCCTCAGTTGGGG[C>A]AATGAATGTGCTGAGTCCAGTCATTTTGTTGACATAAACCATTCTTCCCAGGGCTACATC-3'
Protein context (NP_001035197.1, residues 1059-1079): NKMTGLSTFI[Ala1069Ser]PTEDIQAACT

ClinVar aggregate classification (germline): Uncertain significance (1 of 4 stars; one submission).

gnomAD v4.1: 6 of 1,614,158 alleles (0.00037%); highest among the groups gnomAD compares: Non-Finnish European, 0.00051%; no homozygotes.

Submission:

Ambry Genetics
Classification: Uncertain significance. Last evaluated: 2021-08-12. Review status: criteria provided, single submitter. Criteria: Ambry Variant Classification Scheme 2023. Collection method: clinical testing. Allele origin: germline.
Comment: The p.A1069S variant (also known as c.3205G>T), located in coding exon 1 of the MLH3 gene, results from a G to T substitution at nucleotide position 3205. The alanine at codon 1069 is replaced by serine, an amino acid with similar properties. This amino acid position is conserved. In addition, this alteration is predicted to be tolerated by in silico analysis. Since supporting evidence is limited at this time, the clinical significance of this alteration remains unclear.